The following is an entry in ClinVar:

ClinVar aggregate classification (germline): Uncertain significance. Review status: criteria provided, multiple submitters, no conflicts (2 of 4 stars). 2 submissions from 2 submitters: Uncertain significance (2). Last evaluated 2024-03-31.

Conditions:
Inborn genetic diseases. Identifiers: MedGen C0950123, MeSH D030342.

Allele frequency attached by ClinVar (database versions not stated): ExAC 0.00001; gnomAD exomes 0.00001 and 0.00004; gnomAD 0.00003 and 0.00004; TOPMed 0.00003.
gnomAD v4.1: 59 of 1,614,020 alleles (0.0037%); highest among the groups gnomAD compares: East Asian, 0.013%; no homozygotes.

Submissions (2):

Ambry Genetics
Classification: Uncertain significance for Inborn genetic diseases. Last evaluated: 2024-03-31. Review status: criteria provided, single submitter. Criteria: Ambry Variant Classification Scheme 2023. Collection method: clinical testing. Allele origin: germline.

Labcorp Genetics (formerly Invitae), Labcorp
Classification: Uncertain significance. Last evaluated: 2022-09-13. Review status: criteria provided, single submitter. Criteria: Invitae Variant Classification Sherloc (09022015). Collection method: clinical testing. Allele origin: germline.
Comment: This sequence change replaces arginine, which is basic and polar, with glutamine, which is neutral and polar, at codon 613 of the SH3PXD2B protein (p.Arg613Gln). This variant is present in population databases (rs745393171, gnomAD 0.01%). This variant has not been reported in the literature in individuals affected with SH3PXD2B-related conditions. ClinVar contains an entry for this variant (Variation ID: 1410899). Algorithms developed to predict the effect of missense changes on protein structure and function are either unavailable or do not agree on the potential impact of this missense change (SIFT: "Deleterious"; PolyPhen-2: "Possibly Damaging"; Align-GVGD: "Class C0"). In summary, the available evidence is currently insufficient to determine the role of this variant in disease. Therefore, it has been classified as a Variant of Uncertain Significance.

NM_001017995.3(SH3PXD2B):c.1838G>A (p.Arg613Gln)

Gene: SH3PXD2B (SH3 and PX domains 2B; minus strand). Cytogenetic location: 5q35.1.
Variant type: single nucleotide variant.
Coding change: c.1838G>A on transcript NM_001017995.3 (MANE Select); coding-DNA position 1838, G replaced by A.
Protein change: p.Arg613Gln; replaces arginine 613 with glutamine.
Molecular consequence: missense variant. On other transcripts: intron variant (1).
Genome position (GRCh38, 1-based): chr5:172,339,267, C>T on the plus strand (G>A on the coding strand, the complement: SH3PXD2B is on the minus strand). VCF-style: chr5-172339267-C-T. GRCh37 (hg19) VCF-style: chr5-171766271-C-T.
Other names: c.1188+6869G>A (NM_001308175.2); c.1838G>A (NM_001017995.2); short protein forms R613Q.
Identifiers: ClinVar variation 1410899 (VCV001410899.6), dbSNP rs745393171, ClinGen allele CA3561094.